The following is an entry in ClinVar:

ClinVar aggregate classification (germline): Uncertain significance (1 of 4 stars; one submission).

Allele frequency attached by ClinVar (database versions not stated): ExAC 0.00001; gnomAD exomes 0.00001; gnomAD 0.00002; TOPMed 0.00002.
gnomAD v4.1: 12 of 1,613,350 alleles (0.00074%); highest among the groups gnomAD compares: African/African-American, 0.0013%; no homozygotes.

Submission:

Centre of Medical Genetics, University Hospital Muenster
Classification: Uncertain significance. Last evaluated: 2023-03-02. Review status: criteria provided, single submitter. Criteria: ACMG Guidelines, 2015. Collection method: clinical testing. Allele origin: unknown. Affected: yes. Observed: 1 variant allele, 1 heterozygote.
Comment: ACMG categories: PM1

NM_001287491.2(TET3):c.1606C>T (p.Arg536Cys)

Gene: TET3 (tet methylcytosine dioxygenase 3; plus strand). Cytogenetic location: 2p13.1.
Variant type: single nucleotide variant.
Coding change: c.1606C>T on transcript NM_001287491.2 (MANE Select); coding-DNA position 1606, C replaced by T.
Protein change: p.Arg536Cys; replaces arginine 536 with cysteine.
Molecular consequence: missense variant.
Genome position (GRCh38, 1-based): chr2:74,047,523, C>T. VCF-style: chr2-74047523-C-T. GRCh37 (hg19) VCF-style: chr2-74274650-C-T.
Other names: c.1327C>T, p.Arg443Cys (NM_001366022.1); c.1201C>T, p.Arg401Cys (NM_144993.1); short protein forms R401C, R443C, R536C.
Identifiers: ClinVar variation 2504162 (VCV002504162.2), dbSNP rs780444047, ClinGen allele CA1718641.